The following is an entry in ClinVar:

ClinVar aggregate classification (germline): Uncertain significance (1 of 4 stars; one submission).

Conditions:
Inborn genetic diseases. Identifiers: MedGen C0950123, MeSH D030342.

Submission:

Ambry Genetics
Classification: Uncertain significance for Inborn genetic diseases. Last evaluated: 2023-03-14. Review status: criteria provided, single submitter. Criteria: Ambry Variant Classification Scheme 2023. Collection method: clinical testing. Allele origin: germline.
Comment: The p.G765V variant (also known as c.2294G>T), located in coding exon 19 of the LRRK2 gene, results from a G to T substitution at nucleotide position 2294. The glycine at codon 765 is replaced by valine, an amino acid with dissimilar properties. This amino acid position is conserved. In addition, this alteration is predicted to be deleterious by in silico analysis. Since supporting evidence is limited at this time, the clinical significance of this alteration remains unclear.

NM_198578.4(LRRK2):c.2294G>T (p.Gly765Val)

Gene: LRRK2 (leucine rich repeat kinase 2; plus strand). Cytogenetic location: 12q12.
Variant type: single nucleotide variant.
Coding change: c.2294G>T on transcript NM_198578.4 (MANE Select); coding-DNA position 2294, G replaced by T.
Protein change: p.Gly765Val; replaces glycine 765 with valine.
Molecular consequence: missense variant.
Genome position (GRCh38, 1-based): chr12:40,283,927, G>T. VCF-style: chr12-40283927-G-T. GRCh37 (hg19) VCF-style: chr12-40677729-G-T.
Other names: short protein forms G765V.
Identifiers: ClinVar variation 2453148 (VCV002453148.2), dbSNP rs2499664024, ClinGen allele CA384406414.